The following is an entry in ClinVar:

ClinVar aggregate classification (germline): Pathogenic/Likely pathogenic. Review status: criteria provided, multiple submitters, no conflicts (2 of 4 stars). 14 submissions from 14 submitters: Pathogenic (12); Likely pathogenic (1). 1 of the submissions does not count toward it. Last evaluated 2026-07-14.

Conditions:
ACADM-related disorder. Also called: ACADM-related condition.
Medium-chain acyl-coenzyme A dehydrogenase deficiency (ACADMD). Also called: CARNITINE DEFICIENCY SECONDARY TO MEDIUM-CHAIN ACYL-CoA DEHYDROGENASE DEFICIENCY; MCADD; ACADM DEFICIENCY; MCAD Deficiency; Medium chain acyl-CoA dehydrogenase deficiency; MCADH DEFICIENCY. Identifiers: Orphanet 42, MedGen C0220710, MONDO:0008721, OMIM 201450.

Allele frequency attached by ClinVar (database versions not stated): TOPMed below 0.00001; ExAC 0.00001; gnomAD exomes 0.00001.
gnomAD v4.1: 15 of 1,613,892 alleles (0.00093%); highest among the groups gnomAD compares: Middle Eastern, 0.13%; no homozygotes.

Submissions (14):

PreventionGenetics, part of Exact Sciences
Classification: Pathogenic for ACADM-related condition. Last evaluated: 2026-07-14. Review status: criteria provided, single submitter. Criteria: ACMG Guidelines, 2015. Collection method: clinical testing. Allele origin: germline.
Comment: The ACADM c.362C>T variant is predicted to result in the amino acid substitution p.Thr121Ile. This variant has been reported, in the homozygous state or in the heterozygous state along with a second potentially causative variant, in multiple individuals with medium chain acyl-CoA dehydrogenase deficiency (see for example, Table 1, Andresen et al. 2001. PubMed ID: 11349232; Table 1, Liang et al. 2015. PubMed ID: 25503862; Table 1, Wen et al. 2022. PubMed ID: 35199448). This variant is reported in 0.0046% of alleles in individuals of European (Finnish) descent in gnomAD and it has been described as a founder variant in Saudi Arabia (Al-Hassnan et al. 2010. PubMed ID: 20567907). This variant is interpreted as pathogenic.

Labcorp Genetics (formerly Invitae), Labcorp
Classification: Pathogenic for Medium-chain acyl-coenzyme A dehydrogenase deficiency. Last evaluated: 2025-12-14. Review status: criteria provided, single submitter. Criteria: Invitae Variant Classification Sherloc (09022015). Collection method: clinical testing. Allele origin: germline.
Comment: This sequence change replaces threonine, which is neutral and polar, with isoleucine, which is neutral and non-polar, at codon 121 of the ACADM protein (p.Thr121Ile). This variant is present in population databases (rs121434283, gnomAD 0.004%). This missense change has been observed in individual(s) with MCAD deficiency (PMID: 11349232, 17273963, 20567907, 24966162, 25503862). In at least one individual the data is consistent with being in trans (on the opposite chromosome) from a pathogenic variant. It is commonly reported in individuals of Saudi ancestry (PMID: 20567907). ClinVar contains an entry for this variant (Variation ID: 3599). Invitae Evidence Modeling of protein sequence and biophysical properties (such as structural, functional, and spatial information, amino acid conservation, physicochemical variation, residue mobility, and thermodynamic stability) indicates that this missense variant is not expected to disrupt ACADM protein function with a negative predictive value of 80%. Experimental studies have shown that this missense change affects ACADM function (PMID: 11349232). Studies have shown that this missense change alters mRNA splicing and is expected to lead to the loss of protein expression (PMID: 17273963). For these reasons, this variant has been classified as Pathogenic.

Natera, Inc.
Classification: Pathogenic for Medium Chain Acyl-CoA Dehydrogenase Deficiency. Last evaluated: 2025-10-22. Review status: criteria provided, single submitter. Criteria: Natera Variant Classification Schema (03/2026). Collection method: clinical testing. Allele origin: germline.
Comment: The c.362C>T variant in ACADM is a missense variant predicted to cause substitution of threonine to isoleucine at amino acid 121. This variant is rare in the general population with a frequency below the threshold expected for the associated phenotype(s). This variant has been observed in one or more individuals affected with the associated recessive disease, as either homozygous or compound heterozygous with a second variant (PMID: 17273963, 20567907, 22542437). Functional studies show that this variant may disrupt protein function (PMID: 17273963). Computational prediction algorithms indicate this variant is likely to affect gene or protein function. Given the available evidence, this variant is classified as Pathogenic.

Dubai Health Genomic Medicine Center, Dubai Health
Classification: Pathogenic for Acyl-CoA dehydrogenase, medium chain, deficiency of. Last evaluated: 2024-10-04. Review status: criteria provided, single submitter. Criteria: ACMG Guidelines, 2015. Collection method: research. Allele origin: germline. Affected: yes.
Comment: PS3, PM3(strong), PM2,PP3

Fulgent Genetics
Classification: Pathogenic for Medium-chain acyl-coenzyme A dehydrogenase deficiency. Last evaluated: 2024-06-20. Review status: criteria provided, single submitter. Criteria: ACMG Guidelines, 2015. Collection method: clinical testing. Allele origin: germline.

Genomic Medicine Center of Excellence, King Faisal Specialist Hospital and Research Centre
Classification: Likely pathogenic for Medium-chain acyl-coenzyme A dehydrogenase deficiency. Last evaluated: 2024-03-17. Review status: criteria provided, single submitter. Criteria: ACMG Guidelines, 2015. Collection method: research. Allele origin: germline.

Baylor Genetics
Classification: Pathogenic for Medium-chain acyl-coenzyme A dehydrogenase deficiency. Last evaluated: 2024-02-29. Review status: criteria provided, single submitter. Criteria: ACMG Guidelines, 2015. Collection method: clinical testing. Allele origin: unknown.

Revvity Omics, Revvity
Classification: Pathogenic for Medium-chain acyl-coenzyme A dehydrogenase deficiency. Last evaluated: 2023-11-08. Review status: criteria provided, single submitter. Criteria: ACMG Guidelines, 2015. Collection method: clinical testing. Allele origin: germline.

Laboratory for Molecular Medicine, Mass General Brigham Personalized Medicine
Classification: Pathogenic for Medium-chain acyl-coenzyme A dehydrogenase deficiency. Last evaluated: 2022-08-26. Review status: criteria provided, single submitter. Criteria: ACMG Guidelines, 2015. Collection method: clinical testing. Allele origin: germline.
Comment: The p.Thr121Ile variant in ACADM has been reported in >20 individuals with MCAD deficiency (Nielsen 2007 PMID: 17273963, Nichols 2008 PMID: 18241067, Al-Hassnan 2010 PMID: 20567907). It was absent from large population studies. Computational prediction tools and conservation analyses suggest that this variant may impact the protein, though this information is not predictive enough to determine pathogenicity. A study found that the p.Thr121Ile variant causes exon 5 skipping and a premature termination codon in exon 6 as well as decreased levels of mRNA in patient cells (Nielsen 2007 PMID: 17273963). An additional study showed that this variant reduces ACADM enzymatic activity (Andresen 2001 PMID: 11349232). This variant has also been reported in ClinVar (Variation ID 3599). In summary, this variant meets criteria to be classified as pathogenic for autosomal recessive MCAD deficiency. ACMG/AMP Criteria applied: PM3_VeryStrong, PS3_M, PP3, PM2_P.

GeneDx
Classification: Pathogenic. Last evaluated: 2021-06-22. Review status: criteria provided, single submitter. Criteria: GeneDx Variant Classification Process June 2021. Collection method: clinical testing. Allele origin: germline. Affected: yes.
Comment: Functional studies demonstrated the variant resulted in skipping of exon 5 and premature termination and decreased medium chain acyl-CoA dehydrogenase activity compared to wild type (Nielsen et al., 2007); This variant is associated with the following publications: (PMID: 27535533, 31130284, 29268767, 24966162, 20567907, 17273963, 25503862, 11349232, 25525159)

Women's Health and Genetics/Laboratory Corporation of America, LabCorp
Classification: Pathogenic for Medium-chain acyl-coenzyme A dehydrogenase deficiency. Last evaluated: 2021-04-16. Review status: criteria provided, single submitter. Criteria: LabCorp Variant Classification Summary - May 2015. Collection method: clinical testing. Allele origin: germline.
Comment: Variant summary: ACADM c.362C>T (p.Thr121Ile) results in a non-conservative amino acid change located in the Acyl-CoA dehydrogenase/oxidase, N-terminal domain (IPR013786) of the encoded protein sequence. Four of five in-silico tools predict a damaging effect of the variant on protein function. 4/4 computational tools predict no significant impact on normal splicing. However, at least one publication reports experimental evidence that this variant affects mRNA splicing and displays a high level of exon 5 skipping which leads to a premature termination codon in exon 6 (Nielsen_2007). The variant allele was found at a frequency of 1.2e-05 in 251932 control chromosomes (gnomAD and publication data). c.362C>T has been reported in the literature in the compound heterozygous and homozygous state in multiple individuals affected with Medium Chain Acyl-CoA Dehydrogenase Deficiency (Andresen_2001, Nielseri_2007, Nichols_2008, Al-Hassnan_2010, Tangeraas_2020). These data indicate that the variant is very likely to be associated with disease. At least one functional study reports this variant effect results in reducing ACADM enzymatic activity (Andresen_2001). Five ClinVar submitters (evaluation after 2014) cite the variant as uncertain significance (n=1) and pathogenic (n=4). Based on the evidence outlined above, the variant was classified as pathogenic.

ARUP Laboratories, Molecular Genetics and Genomics, ARUP Laboratories
Classification: Pathogenic for Medium-chain acyl-coenzyme A dehydrogenase deficiency. Last evaluated: 2018-04-05. Review status: criteria provided, single submitter. Criteria: ARUP Molecular Germline Variant Investigation Process. Collection method: clinical testing. Allele origin: germline.
Comment: The ACADM c.362C>T; p.Thr121Ile variant (rs121434283), also known as T96I, has been described in the homozygous and compound heterozygous state in individuals affected with medium-chain acyl-coenzyme A dehydrogenase(MCAD) deficiency (Al-Hassnan 2010, Andresen 2001, Liang 2015, Nielsen 2007). It is reported as pathogenic by multiple laboratories in ClinVar (Variation ID: 3599) and is observed in the general population at a low overall frequency of 0.001% (3/246224 alleles) in the Genome Aggregation Database. Functional analyses of this variant demonstrate reduced enzymatic activity and skipping of exon 5 (Andresen 2001, Nielsen 2007). Based on available information, this variant is considered pathogenic. References: Al-Hassnan Z et al. Medium-chain acyl-CoA dehydrogenase deficiency in Saudi Arabia: incidence, genotype, and preventive implications. J Inherit Metab Dis. 2010 Dec;33 Suppl 3:S263-7. Andresen B et al. Medium-chain acyl-CoA dehydrogenase (MCAD) mutations identified by MS/MS-based prospective screening of newborns differ from those observed in patients with clinical symptoms: identification and characterization of a new, prevalent mutation that results in mild MCAD deficiency. Am J Hum Genet. 2001 Jun;68(6):1408-18. Liang C et al. First case report of medium-chain acyl-coenzyme A dehydrogenase deficiency in China. J Pediatr Endocrinol Metab. 2015 May;28(5-6):681-4. Nielsen K et al. Seemingly neutral polymorphic variants may confer immunity to splicing-inactivating mutations: a synonymous SNP in exon 5 of MCAD protects from deleterious mutations in a flanking exonic splicing enhancer. Am J Hum Genet. 2007 Mar;80(3):416-32.

Department of Genetics, Sultan Qaboos University Hospital
Classification: Pathogenic for Medium-chain acyl-coenzyme A dehydrogenase deficiency. Last evaluated: 2017-12-30. Review status: criteria provided, single submitter. Criteria: ACMG Guidelines, 2015. Collection method: curation. Allele origin: unknown. Affected: yes.

OMIM
Classification: Pathogenic for MCAD DEFICIENCY. Last evaluated: 2007-03-01. Review status: no assertion criteria provided. Collection method: literature only. Allele origin: germline. Not counted in ClinVar's aggregate classification.

Literature cited by the submitters: PubMed 11349232 (cited by 3 submitters); PubMed 17273963 (cited by 4 submitters); PubMed 20567907 (cited by 3 submitters); PubMed 24966162 (cited by Labcorp Genetics (formerly Invitae), Labcorp); PubMed 25503862 (cited by Labcorp Genetics (formerly Invitae), Labcorp); PubMed 22542437 (cited by Natera, Inc.); PubMed 18241067 (cited by Women's Health and Genetics/Laboratory Corporation of America, LabCorp); PubMed 33123633 (cited by Women's Health and Genetics/Laboratory Corporation of America, LabCorp).

NM_000016.6(ACADM):c.362C>T (p.Thr121Ile)

Gene: ACADM (acyl-CoA dehydrogenase medium chain; plus strand). Cytogenetic location: 1p31.1.
Variant type: single nucleotide variant.
Coding change: c.362C>T on transcript NM_000016.6 (MANE Select); coding-DNA position 362, C replaced by T.
Protein change: p.Thr121Ile; replaces threonine 121 with isoleucine.
Molecular consequence: missense variant. On other transcripts: intron variant (1).
Genome position (GRCh38, 1-based): chr1:75,733,603, C>T. VCF-style: chr1-75733603-C-T. GRCh37 (hg19) VCF-style: chr1-76199288-C-T.
Other names: T96I; p.T121I:ACT>ATT; c.374C>T, p.Thr125Ile (NM_001127328.3); c.254C>T, p.Thr85Ile (NM_001286042.2); c.461C>T, p.Thr154Ile (NM_001286043.2); c.-100+681C>T (NM_001286044.2); c.374C>T (NM_001127328.2); short protein forms T121I, T125I, T154I, T85I.
Identifiers: ClinVar variation 3599 (VCV000003599.41), dbSNP rs121434283, ClinGen allele CA252838.